The following is an entry in ClinVar:

ClinVar aggregate classification (germline): Uncertain significance (1 of 4 stars; one submission).

gnomAD v4.1: 15 of 1,614,056 alleles (0.00093%); highest among the groups gnomAD compares: Non-Finnish European, 0.0012%; no homozygotes.

Submission:

Ambry Genetics
Classification: Uncertain significance. Last evaluated: 2026-03-23. Review status: criteria provided, single submitter. Criteria: Ambry Variant Classification Scheme 2023. Collection method: clinical testing. Allele origin: germline.
Comment: The c.1111A>G (p.I371V) alteration is located in exon 10 (coding exon 10) of the SCLY gene. This alteration results from a A to G substitution at nucleotide position 1111, causing the isoleucine (I) at amino acid position 371 to be replaced by a valine (V). Based on data from gnomAD, the G allele has an overall frequency of 0.001% (2/251482) total alleles studied. The highest observed frequency was 0.002% (2/113760) of European (non-Finnish) alleles. Based on insufficient or conflicting evidence, the clinical significance of this alteration remains unclear.

NM_016510.7(SCLY):c.1087A>G (p.Ile363Val)

Genes: SCLY (selenocysteine lyase; plus strand), UBE2F-SCLY (UBE2F-SCLY readthrough (NMD candidate); plus strand). Cytogenetic location: 2q37.3.
Variant type: single nucleotide variant.
Coding change: c.1087A>G on transcript NM_016510.7 (MANE Select); coding-DNA position 1087, A replaced by G.
Protein change: p.Ile363Val; replaces isoleucine 363 with valine.
Molecular consequence: missense variant. On other transcripts: non-coding transcript variant (1).
Genome position (GRCh38, 1-based): chr2:238,094,501, A>G. VCF-style: chr2-238094501-A-G. GRCh37 (hg19) VCF-style: chr2-239003142-A-G.
Other names: short protein forms I363V.
Identifiers: ClinVar variation 4864083 (VCV004864083.1).